The following is an entry in ClinVar:

ClinVar aggregate classification (germline): Uncertain significance. Review status: criteria provided, multiple submitters, no conflicts (2 of 4 stars). 2 submissions from 2 submitters: Uncertain significance (2). Last evaluated 2024-06-18.

Conditions:
Inborn genetic diseases. Identifiers: MedGen C0950123, MeSH D030342.
Familial sleep-related hypermotor epilepsy. Also called: Autosomal Dominant Sleep-Related Hypermotor (Hyperkinetic) Epilepsy. Identifiers: Orphanet 98784, MedGen C3696898, MONDO:0000030.

Allele frequency attached by ClinVar (database versions not stated): TOPMed below 0.00001; gnomAD exomes 0.00001.
gnomAD v4.1: 5 of 1,562,786 alleles (0.00032%); highest among the groups gnomAD compares: Non-Finnish European, 0.00043%; no homozygotes.

Submissions (2):

Labcorp Genetics (formerly Invitae), Labcorp
Classification: Uncertain significance. Last evaluated: 2024-06-18. Review status: criteria provided, single submitter. Criteria: Invitae Variant Classification Sherloc (09022015). Collection method: clinical testing. Allele origin: germline.
Comment: This sequence change replaces aspartic acid, which is acidic and polar, with valine, which is neutral and non-polar, at codon 427 of the CHRNA4 protein (p.Asp427Val). This variant is not present in population databases (gnomAD no frequency). This variant has not been reported in the literature in individuals affected with CHRNA4-related conditions. ClinVar contains an entry for this variant (Variation ID: 2338269). Advanced modeling of protein sequence and biophysical properties (such as structural, functional, and spatial information, amino acid conservation, physicochemical variation, residue mobility, and thermodynamic stability) performed at Invitae indicates that this missense variant is not expected to disrupt CHRNA4 protein function with a negative predictive value of 80%. In summary, the available evidence is currently insufficient to determine the role of this variant in disease. Therefore, it has been classified as a Variant of Uncertain Significance.

Ambry Genetics
Classification: Uncertain significance for Inborn genetic diseases. Last evaluated: 2022-12-21. Review status: criteria provided, single submitter. Criteria: Ambry Variant Classification Scheme 2023. Collection method: clinical testing. Allele origin: germline.

NM_000744.7(CHRNA4):c.1280A>T (p.Asp427Val)

Gene: CHRNA4 (cholinergic receptor nicotinic alpha 4 subunit; minus strand). Cytogenetic location: 20q13.33.
Variant type: single nucleotide variant.
Coding change: c.1280A>T on transcript NM_000744.7 (MANE Select); coding-DNA position 1280, A replaced by T.
Protein change: p.Asp427Val; replaces aspartic acid 427 with valine.
Molecular consequence: missense variant. On other transcripts: non-coding transcript variant (1).
Genome position (GRCh38, 1-based): chr20:63,350,131, T>A on the plus strand (A>T on the coding strand, the complement: CHRNA4 is on the minus strand). VCF-style: chr20-63350131-T-A. GRCh37 (hg19) VCF-style: chr20-61981483-T-A.
Other names: c.752A>T, p.Asp251Val (NM_001256573.2); short protein forms D251V, D427V.
Identifiers: ClinVar variation 2338269 (VCV002338269.4), dbSNP rs2068564369, ClinGen allele CA409633951.
Genomic context (GRCh38, chr20:63,350,131, plus strand): 5'-CCAGGCGAGGGGTGGGGGCTGGCTTTCTCAGCTTCCAGGGGCTGCTGAGGAGGGAGCTGG[T>A]CGGAGGGTGACTTGCAGGAAGGCCCAGGCTCAGCCGGCACATCCAGGGGGACACAGAAGG-3'
Protein context (NP_000735.1, residues 417-437): EPGPSCKSPS[Asp427Val]QLPPQQPLEA